The following is an entry in ClinVar:

NM_001845.6(COL4A1):c.904G>A (p.Gly302Ser)

Gene: COL4A1 (collagen type IV alpha 1 chain; minus strand). Cytogenetic location: 13q34.
Variant type: single nucleotide variant.
Coding change: c.904G>A on transcript NM_001845.6 (MANE Select); coding-DNA position 904, G replaced by A.
Protein change: p.Gly302Ser; replaces glycine 302 with serine.
Molecular consequence: missense variant.
Genome position (GRCh38, 1-based): chr13:110,205,406, C>T on the plus strand (G>A on the coding strand, the complement: COL4A1 is on the minus strand). VCF-style: chr13-110205406-C-T. GRCh37 (hg19) VCF-style: chr13-110857753-C-T.
Other names: c.904G>A, p.Gly302Ser (NM_001303110.2); short protein forms G302S.
Identifiers: ClinVar variation 1479291 (VCV001479291.7), dbSNP rs144795487, ClinGen allele CA7048221.

ClinVar aggregate classification (germline): Conflicting classifications of pathogenicity. Review status: criteria provided, conflicting classifications (1 of 4 stars). 2 submissions from 2 submitters: Likely pathogenic (1); Uncertain significance (1). Last evaluated 2021-11-27.

Allele frequency attached by ClinVar (database versions not stated): gnomAD exomes below 0.00001 and 0.00001; TOPMed below 0.00001; ExAC 0.00001; ESP Exome Variant Server 0.00008.
gnomAD v4.1: 1 of 1,614,016 alleles (0.000062%); highest among the groups gnomAD compares: Non-Finnish European, 0.000085%; no homozygotes.

Submissions (2):

Labcorp Genetics (formerly Invitae), Labcorp
Classification: Likely pathogenic. Last evaluated: 2021-11-27. Review status: criteria provided, single submitter. Criteria: Invitae Variant Classification Sherloc (09022015). Collection method: clinical testing. Allele origin: germline.
Comment: This sequence change replaces glycine, which is neutral and non-polar, with serine, which is neutral and polar, at codon 302 of the COL4A1 protein (p.Gly302Ser). This variant is present in population databases (rs144795487, gnomAD 0.0009%). This variant has not been reported in the literature in individuals affected with COL4A1-related conditions. Algorithms developed to predict the effect of missense changes on protein structure and function are either unavailable or do not agree on the potential impact of this missense change (SIFT: "Tolerated"; PolyPhen-2: "Not Available"; Align-GVGD: "Class C0"). This variant disrupts the triple helix domain of COL4A1. Glycine residues within the Gly-Xaa-Yaa repeats of the triple helix domain are required for the structure and stability of fibrillar collagens (PMID: 7695699, 8218237, 19344236). In COL4A1 variants affecting these glycine residues are significantly enriched in individuals with disease (PMID: 9016532, 17078022) compared to the general population (ExAC). In summary, the currently available evidence indicates that the variant is pathogenic, but additional data are needed to prove that conclusively. Therefore, this variant has been classified as Likely Pathogenic.

Blueprint Genetics
Classification: Uncertain significance. Last evaluated: 2017-05-22. Review status: criteria provided, single submitter. Criteria: ACMG Guidelines, 2015. Collection method: clinical testing. Allele origin: germline.

Literature cited by the submitters: PubMed 7695699 (cited by Labcorp Genetics (formerly Invitae), Labcorp); PubMed 8218237 (cited by Labcorp Genetics (formerly Invitae), Labcorp); PubMed 19344236 (cited by Labcorp Genetics (formerly Invitae), Labcorp); PubMed 9016532 (cited by Labcorp Genetics (formerly Invitae), Labcorp); PubMed 17078022 (cited by Labcorp Genetics (formerly Invitae), Labcorp).